The following is an entry in ClinVar:

NM_000443.4(ABCB4):c.3152T>C (p.Val1051Ala)

Gene: ABCB4 (ATP binding cassette subfamily B member 4; minus strand). Cytogenetic location: 7q21.12.
Variant type: single nucleotide variant.
Coding change: c.3152T>C on transcript NM_000443.4 (MANE Select); coding-DNA position 3152, T replaced by C.
Protein change: p.Val1051Ala; replaces valine 1051 with alanine.
Molecular consequence: missense variant.
Genome position (GRCh38, 1-based): chr7:87,408,164, A>G on the plus strand (T>C on the coding strand, the complement: ABCB4 is on the minus strand). VCF-style: chr7-87408164-A-G. GRCh37 (hg19) VCF-style: chr7-87037480-A-G.
Other names: c.3152T>C, p.Val1051Ala (NM_018849.3); c.3011T>C, p.Val1004Ala (NM_018850.3); short protein forms V1004A, V1051A.
Identifiers: ClinVar variation 3594920 (VCV003594920.2).
Genomic context (GRCh38, chr7:87,408,164, plus strand): 5'-CTGCTGCCCACCAGGGCTAGTGTCTGGCCTTTCTTCACCTCCAGGCTCAGCCCCTGAAGC[A>G]CTGGCACGTTTGCTCGGGTGGGATAGTTGAACACGACTTCATTAAATGTTATATTTCCTT-3'
Protein context (NP_000434.1, residues 1041-1061): FNYPTRANVP[Val1051Ala]LQGLSLEVKK

ClinVar aggregate classification (germline): Likely pathogenic. Review status: criteria provided, multiple submitters, no conflicts (2 of 4 stars). 2 submissions from 2 submitters: Likely pathogenic (2). Last evaluated 2026-04-14.

Conditions:
Low phospholipid associated cholelithiasis (GBD1). Also called: Gallstone cholecystitis; Gallbladder disease 1. Identifiers: Orphanet 69663, MedGen C2609268, MONDO:0010939, OMIM 600803.
Progressive familial intrahepatic cholestasis type 3. Also called: MDR3 DEFICIENCY; Low Gamma-GT Familial Intrahepatic Cholestasis. Identifiers: Orphanet 79305, MedGen C1865643, MONDO:0011214, OMIM 602347.
Cholestasis, intrahepatic, of pregnancy, 3. Identifiers: Orphanet 69665, MedGen C3554241, MONDO:0013995, OMIM 614972.
Familial intrahepatic cholestasis. Identifiers: Orphanet 284385, MedGen CN296401, MONDO:0017290.

gnomAD v4.1: 8 of 1,614,240 alleles (0.0005%); highest among the groups gnomAD compares: East Asian, 0.018%; no homozygotes.

Submissions (2):

Genomenon, Inc
Classification: Likely pathogenic for Familial intrahepatic cholestasis. Last evaluated: 2026-04-14. Review status: criteria provided, single submitter. Criteria: Genomenon Sequence Variant Interpretation Standards - Updated. Collection method: curation. Allele origin: germline. Affected: yes.
Comment: ABCB4 p.Val1051Ala (c.3152T>C) is a missense variant that changes the amino acid at residue 1051 from Valine to Alanine. This variant has been observed in at least one proband with an ABCB4-related disorder (PMID:38610052;36550572;33842647). The variant was found to segregate with disease in at least one affected family (PMID:33842647). It has been observed in trans with a pathogenic or likely pathogenic variant (PMID:38610052;36550572;33842647). It is absent or not present at a significant frequency in gnomAD. In silico models predict that this variant is possibly or probably damaging. In conclusion, we classify ABCB4 p.Val1051Ala (c.3152T>C) as a likely pathogenic variant.

Fulgent Genetics
Classification: Likely pathogenic for Low phospholipid associated cholelithiasis; Progressive familial intrahepatic cholestasis type 3; Cholestasis, intrahepatic, of pregnancy, 3. Last evaluated: 2024-02-29. Review status: criteria provided, single submitter. Criteria: ACMG Guidelines, 2015. Collection method: clinical testing. Allele origin: germline.

Literature cited by the submitters: PubMed 38610052 (cited by Genomenon, Inc); PubMed 36550572 (cited by Genomenon, Inc); PubMed 33842647 (cited by Genomenon, Inc).